The following is an entry in ClinVar:

NM_006914.4(RORB):c.1225-4G>A

Gene: RORB (RAR related orphan receptor B; plus strand). Cytogenetic location: 9q21.13.
Variant type: single nucleotide variant.
Coding change: c.1225-4G>A on transcript NM_006914.4 (MANE Select); 4 bases into the intron before coding-DNA position 1225, G replaced by A.
Molecular consequence: intron variant.
Genome position (GRCh38, 1-based): chr9:74,685,459, G>A. VCF-style: chr9-74685459-G-A. GRCh37 (hg19) VCF-style: chr9-77300375-G-A.
Other names: c.1258-4G>A (NM_001365023.1).
Identifiers: ClinVar variation 1537808 (VCV001537808.34), dbSNP rs774246940, ClinGen allele CA5083584.

ClinVar aggregate classification (germline): Conflicting classifications of pathogenicity. Review status: criteria provided, conflicting classifications (1 of 4 stars). 2 submissions from 2 submitters: Uncertain significance (1); Likely benign (1). Last evaluated 2024-03-12.

Allele frequency attached by ClinVar (database versions not stated): gnomAD 0.00002.
gnomAD v4.1: 9 of 1,606,150 alleles (0.00056%); highest among the groups gnomAD compares: African/African-American, 0.0067%; no homozygotes.

Submissions (2):

Labcorp Genetics (formerly Invitae), Labcorp
Classification: Likely benign. Last evaluated: 2024-03-12. Review status: criteria provided, single submitter. Criteria: Invitae Variant Classification Sherloc (09022015). Collection method: clinical testing. Allele origin: germline.

CeGaT Center for Human Genetics Tuebingen
Classification: Uncertain significance. Last evaluated: 2023-06-01. Review status: criteria provided, single submitter. Criteria: CeGaT Center For Human Genetics Tuebingen Variant Classification Criteria Version 2. Collection method: clinical testing. Allele origin: germline. Affected: yes. Observed: 1 variant allele.
Comment: RORB: PM2:Supporting, BP4